The following is an entry in ClinVar:

ClinVar aggregate classification (germline): Uncertain significance (1 of 4 stars; one submission).

Conditions:
Hereditary cancer-predisposing syndrome. Also called: Tumor predisposition; Neoplastic Syndromes, Hereditary; Hereditary Cancer Syndrome; Hereditary neoplastic syndrome. Identifiers: Orphanet 140162, MedGen C0027672, MeSH D009386, MONDO:0015356.

Submission:

Ambry Genetics
Classification: Uncertain significance for Hereditary cancer-predisposing syndrome. Last evaluated: 2025-01-17. Review status: criteria provided, single submitter. Criteria: Ambry Variant Classification Scheme 2023. Collection method: clinical testing. Allele origin: germline.
Comment: The p.S517R variant (also known as c.1551C>G), located in coding exon 11 of the PMS2 gene, results from a C to G substitution at nucleotide position 1551. The serine at codon 517 is replaced by arginine, an amino acid with dissimilar properties. This amino acid position is conserved. In addition, this alteration is predicted to be tolerated by in silico analysis. Based on the available evidence, the clinical significance of this variant remains unclear.

NM_000535.7(PMS2):c.1551C>G (p.Ser517Arg)

Gene: PMS2 (PMS1 homolog 2, mismatch repair system component; minus strand). Cytogenetic location: 7p22.1.
Variant type: single nucleotide variant.
Coding change: c.1551C>G on transcript NM_000535.7 (MANE Select); coding-DNA position 1551, C replaced by G.
Protein change: p.Ser517Arg; replaces serine 517 with arginine.
Molecular consequence: missense variant. On other transcripts: non-coding transcript variant (1), intron variant (1).
Genome position (GRCh38, 1-based): chr7:5,987,214, G>C on the plus strand (C>G on the coding strand, the complement: PMS2 is on the minus strand). VCF-style: chr7-5987214-G-C. GRCh37 (hg19) VCF-style: chr7-6026845-G-C.
Other names: c.1146C>G, p.Ser382Arg (NM_001322003.2, NM_001322004.2, NM_001322005.2 and 16 more transcripts); c.1395C>G, p.Ser465Arg (NM_001322006.2, NM_001406870.1); c.1233C>G, p.Ser411Arg (NM_001322007.2, NM_001322008.2, NM_001406876.1 and 2 more transcripts); c.990C>G, p.Ser330Arg (NM_001322010.2, NM_001406906.1, NM_001406907.1); c.618C>G, p.Ser206Arg (NM_001322011.2, NM_001322012.2); c.978C>G, p.Ser326Arg (NM_001322013.2, NM_001406909.1); c.1551C>G, p.Ser517Arg (NM_001322014.2, NM_001406871.1, NM_001406872.1); c.1242C>G, p.Ser414Arg (NM_001322015.2, NM_001406875.1, NM_001406877.1 and 5 more transcripts); and 13 more; short protein forms S206R, S362R, S414R, S461R, S326R, S409R, S411R, S579R.
Identifiers: ClinVar variation 3890987 (VCV003890987.1).